The following is an entry in ClinVar:

NM_182493.3(MYLK3):c.863del (p.Ala288fs)

Gene: MYLK3 (myosin light chain kinase 3; minus strand). Cytogenetic location: 16q11.2.
Variant type: Deletion.
Coding change: c.863del on transcript NM_182493.3 (MANE Select); coding-DNA position 863, one base deleted (C; older notation c.863delC).
Protein change: p.Ala288fs; shifts the reading frame from alanine 288.
Molecular consequence: frameshift variant. On other transcripts: intron variant (1).
Genome position (GRCh38, 1-based): chr16:46,737,849, G deleted on the plus strand (C on the coding strand, the reverse complement: MYLK3 is on the minus strand). VCF-style (leftmost placement, unchanged base first): chr16-46737848-TG-T. GRCh37 (hg19) VCF-style: chr16-46771760-TG-T.
Other names: c.-23+2208del (NM_001308301.1); short protein forms A288fs.
Identifiers: ClinVar variation 2996902 (VCV002996902.3), dbSNP rs776360970, ClinGen allele CA8038130.

ClinVar aggregate classification (germline): Uncertain significance (1 of 4 stars; one submission).

Allele frequency attached by ClinVar (database versions not stated): ExAC 0.00001; gnomAD exomes 0.00002.

Submission:

Labcorp Genetics (formerly Invitae), Labcorp
Classification: Uncertain significance. Last evaluated: 2024-11-27. Review status: criteria provided, single submitter. Criteria: Invitae Variant Classification Sherloc (09022015). Collection method: clinical testing. Allele origin: germline.
Comment: This sequence change creates a premature translational stop signal (p.Ala288Aspfs*11) in the MYLK3 gene. It is expected to result in an absent or disrupted protein product. However, the current clinical and genetic evidence is not sufficient to establish whether loss-of-function variants in MYLK3 cause disease. This variant is present in population databases (rs776360970, gnomAD 0.002%). This variant has not been reported in the literature in individuals affected with MYLK3-related conditions. ClinVar contains an entry for this variant (Variation ID: 2996902). In summary, the available evidence is currently insufficient to determine the role of this variant in disease. Therefore, it has been classified as a Variant of Uncertain Significance.